The following is an entry in ClinVar:

ClinVar aggregate classification (germline): Uncertain significance (1 of 4 stars; one submission).

gnomAD v4.1: 5 of 1,609,920 alleles (0.00031%); highest among the groups gnomAD compares: Non-Finnish European, 0.00042%; no homozygotes.

Submission:

GeneDx
Classification: Uncertain significance. Last evaluated: 2023-11-14. Review status: criteria provided, single submitter. Criteria: GeneDx Variant Classification Process June 2021. Collection method: clinical testing. Allele origin: germline. Affected: yes.
Comment: Not observed at significant frequency in large population cohorts (gnomAD); Missense variant in a gene in which most reported pathogenic variants are truncating/loss of function; Has not been previously published as pathogenic or benign to our knowledge; This variant is associated with the following publications: (PMID: 23975875)

NM_001267550.2(TTN):c.16106T>C (p.Val5369Ala)

Gene: TTN (titin; minus strand). Cytogenetic location: 2q31.2.
Variant type: single nucleotide variant.
Coding change: c.16106T>C on transcript NM_001267550.2 (MANE Select); coding-DNA position 16106, T replaced by C.
Protein change: p.Val5369Ala; replaces valine 5369 with alanine.
Molecular consequence: missense variant. On other transcripts: intron variant (3).
Genome position (GRCh38, 1-based): chr2:178,733,070, A>G on the plus strand (T>C on the coding strand, the complement: TTN is on the minus strand). VCF-style: chr2-178733070-A-G. GRCh37 (hg19) VCF-style: chr2-179597797-A-G.
Other names: c.15155T>C, p.Val5052Ala (NM_001256850.1); c.12374T>C, p.Val4125Ala (NM_133378.4); c.13282+5012T>C (NM_003319.4); c.13858+5012T>C (NM_133437.4); c.13657+5012T>C (NM_133432.3); short protein forms V4125A, V5052A, V5369A.
Identifiers: ClinVar variation 3342669 (VCV003342669.1).